The following is an entry in ClinVar:

NM_001046.3(SLC12A2):c.3257T>C (p.Ile1086Thr)

Gene: SLC12A2 (solute carrier family 12 member 2; plus strand). Cytogenetic location: 5q23.3.
Variant type: single nucleotide variant.
Coding change: c.3257T>C on transcript NM_001046.3 (MANE Select); coding-DNA position 3257, T replaced by C.
Protein change: p.Ile1086Thr; replaces isoleucine 1086 with threonine.
Molecular consequence: missense variant. On other transcripts: non-coding transcript variant (1).
Genome position (GRCh38, 1-based): chr5:128,182,899, T>C. VCF-style: chr5-128182899-T-C. GRCh37 (hg19) VCF-style: chr5-127518591-T-C.
Other names: c.3209T>C, p.Ile1070Thr (NM_001256461.2); c.3257T>C (NM_001046.2); short protein forms I1070T, I1086T.
Identifiers: ClinVar variation 1343144 (VCV001343144.4), dbSNP rs1206093526, ClinGen allele CA360739755.

ClinVar aggregate classification (germline): Uncertain significance. Review status: criteria provided, single submitter (1 of 4 stars). 2 submissions from 2 submitters: Uncertain significance (1). 1 of the submissions does not count toward it. Last evaluated 2021-12-17.

Conditions:
Intellectual disability. Also called: Intellectual functioning disability; Intellectual developmental disorder; intellectual disabilities. Identifiers: MedGen C3714756, MeSH D008607, MONDO:0001071, HP:0001249.
SLC12A2-related disorder. Also called: SLC12A2-related condition; SLC12A2-related disorders.

Allele frequency attached by ClinVar (database versions not stated): gnomAD exomes below 0.00001; gnomAD 0.00001; TOPMed 0.00001.
gnomAD v4.1: 5 of 1,611,698 alleles (0.00031%); highest among the groups gnomAD compares: Non-Finnish European, 0.00034%; no homozygotes.

Submissions (2):

Department of Genetics, Rouen University Hospital, Normandy Center for Genomic and Personalized Medicine
Classification: Uncertain significance for Intellectual disability. Last evaluated: 2021-12-17. Review status: criteria provided, single submitter. Criteria: ACMG Guidelines, 2015. Collection method: clinical testing. Allele origin: maternal. Affected: yes.

PreventionGenetics, part of Exact Sciences
Classification: Uncertain significance for SLC12A2-related condition. Last evaluated: 2024-02-14. Review status: no assertion criteria provided. Collection method: clinical testing. Allele origin: germline. Not counted in ClinVar's aggregate classification.
Comment: The SLC12A2 c.3257T>C variant is predicted to result in the amino acid substitution p.Ile1086Thr. To our knowledge, this variant has not been reported in the literature or in a large population database, indicating this variant is rare. At this time, the clinical significance of this variant is uncertain due to the absence of conclusive functional and genetic evidence.